The following is an entry in ClinVar:

NM_153247.4(SLC29A4):c.1122C>T (p.Leu374=)

Gene: SLC29A4 (solute carrier family 29 member 4; plus strand). Cytogenetic location: 7p22.1.
Variant type: single nucleotide variant.
Coding change: c.1122C>T on transcript NM_153247.4 (MANE Select); coding-DNA position 1122, C replaced by T.
Protein change: p.Leu374=; no amino-acid change (leucine 374 retained).
Molecular consequence: synonymous variant.
Genome position (GRCh38, 1-based): chr7:5,299,340, C>T. VCF-style: chr7-5299340-C-T. GRCh37 (hg19) VCF-style: chr7-5338971-C-T.
Other names: c.1122C>T, p.Leu374= (NM_001040661.3); c.1080C>T, p.Leu360= (NM_001300847.3).
Identifiers: ClinVar variation 3037171 (VCV003037171.2), dbSNP rs144306458, ClinGen allele CA4142843.
Genomic context (GRCh38, chr7:5,299,340, plus strand): 5'-GGCCGACATGCTCTCCATCGCCGTGACCTACTTCATCACGCTGTGCCTGTTCCCCGGCCT[C>T]GAGTCTGAGATCCGCCACTGCATCCTGGGCGAGTGGCTGCCCATCCTCATCATGGCTGTG-3'
Protein context (NP_694979.2, residues 364-384): YFITLCLFPG[Leu374=]ESEIRHCILG

ClinVar aggregate classification (germline): Likely benign (0 of 4 stars; one submission).

Conditions:
SLC29A4-related disorder. Also called: SLC29A4-related condition.

Allele frequency attached by ClinVar (database versions not stated): ExAC 0.00012; gnomAD 0.00014; TOPMed 0.00022; ESP Exome Variant Server 0.00023; gnomAD exomes 0.00028; 1000 Genomes Project 30x 0.00031; 1000 Genomes Project 0.00040.
gnomAD v4.1: 438 of 1,612,110 alleles (0.027%); highest among the groups gnomAD compares: Non-Finnish European, 0.033%; no homozygotes.

Submission:

PreventionGenetics, part of Exact Sciences
Classification: Likely benign for SLC29A4-related condition. Last evaluated: 2019-04-30. Review status: no assertion criteria provided. Collection method: clinical testing. Allele origin: germline.
Comment: This variant is classified as likely benign based on ACMG/AMP sequence variant interpretation guidelines (Richards et al. 2015 PMID: 25741868, with internal and published modifications).